The following is an entry in ClinVar:

ClinVar aggregate classification (germline): Likely benign (1 of 4 stars; one submission).

Conditions:
KMT2D-related disorder. Also called: KMT2D-Related Disorders.

Submission:

PreventionGenetics, part of Exact Sciences
Classification: Likely benign for KMT2D-related condition. Last evaluated: 2026-03-25. Review status: criteria provided, single submitter. Criteria: ACMG Guidelines, 2015. Collection method: clinical testing. Allele origin: germline.
Comment: This variant is classified as likely benign based on ACMG/AMP sequence variant interpretation guidelines (Richards et al. 2015 PMID: 25741868, with internal and published modifications).

NM_003482.4(KMT2D):c.10599T>A (p.Gly3533=)

Gene: KMT2D (lysine methyltransferase 2D; minus strand). Cytogenetic location: 12q13.12.
Variant type: single nucleotide variant.
Coding change: c.10599T>A on transcript NM_003482.4 (MANE Select); coding-DNA position 10599, T replaced by A.
Protein change: p.Gly3533=; no amino-acid change (glycine 3533 retained).
Molecular consequence: synonymous variant.
Genome position (GRCh38, 1-based): chr12:49,034,208, A>T on the plus strand (T>A on the coding strand, the complement: KMT2D is on the minus strand). VCF-style: chr12-49034208-A-T. GRCh37 (hg19) VCF-style: chr12-49427991-A-T.
Identifiers: ClinVar variation 4995199 (VCV004995199.1).